The following is an entry in ClinVar:

GRCh38/hg38 19q13.33(chr19:47794370-47886413)x1

Genes: TPRX2 (tetrapeptide repeat homeobox 2; plus strand), TPRX1 (tetrapeptide repeat homeobox 1; minus strand), CRX (cone-rod homeobox; plus strand), LINC01595 (long intergenic non-protein coding RNA 1595; minus strand), SULT2A1 (sulfotransferase family 2A member 1; minus strand). Cytogenetic location: 19q13.33.
Variant type: copy number loss.
Change: copy number 1 (one copy instead of two) of chr19:47,794,370-47,886,413 (92.0 kb, GRCh38 coordinates, 1-based), cytogenetic band 19q13.33.
Identifiers: ClinVar variation 2579248 (VCV002579248.1).

ClinVar aggregate classification (germline): Uncertain significance (1 of 4 stars; one submission).

Conditions:
Cone-rod dystrophy 2 (CORD2). Also called: CONE-ROD RETINAL DYSTROPHY; Cone-rod retinal dystrophy 2. Identifiers: Orphanet 1872, MedGen C3489532, MONDO:0007362, OMIM 120970.

Submission:

Broad Center for Mendelian Genomics, Broad Institute of MIT and Harvard
Classification: Uncertain significance for Cone-rod dystrophy 2. Last evaluated: 2023-08-24. Review status: criteria provided, single submitter. Criteria: ACMG/ClinGen CNV Guidelines, 2019. Collection method: research. Allele origin: unknown. Inheritance: Autosomal dominant inheritance. Affected: yes.
Comment: A heterozygous deletion of 3 genes was identified by exome sequencing in one individual with cone-rod retinal dystrophy ([GRCh 38] chr19:47794370_47886413x1)(PMID: 34906470). These breakpoints have been estimated by exome sequencing only and therefore may not reflect the true breakpoints. Inheritance information is unavailable. The presence of this deletion was validated by Sanger sequencing. The patient phenotype is nonspecific, but is consistent with cases described in the literature and/or published databases with overlapping variants. Two deletions of similar genomic content have been reported in ClinVar (Variation ID: 564581, 830780) and have been interpreted as variants of uncertain significance. There is complete overlap with the CRX gene, which is suspected to be haploinsufficient but has not been assessed by the ClinGen Dosage Sensitivity Working Group. Two reported probands from the literature/internal data with cone rod dystrophy have a LoF variant in CRX. The variants reported are confirmed de novo and the reported phenotypes are nonspecific (PMID: 29555955). In summary, while there is some suspicion for a pathogenic role, the clinical significance of this variant is uncertain. The ACMG/ClinGen evidence codes and points used in this curation are as follows: 1: 0 points, 2: 0 points, 3: 0 points, 4-5: 0.45 points; Total: 0.45 points; Riggs 2020 (PMID: 31690835).

Literature cited by the submitters: PubMed 34906470; PubMed 29555955.